The following is an entry in ClinVar:

GRCh38/hg38 16p13.11-12.3(chr16:15398450-18272881)x1

Genes: ABCC1 (ATP binding cassette subfamily C member 1 (ABCC1 blood group); plus strand), ABCC6 (ATP binding cassette subfamily C member 6; minus strand), BMERB1 (bMERB domain containing 1; plus strand), CEP20 (centrosomal protein 20; minus strand), MARF1 (meiosis regulator and mRNA stability factor 1; minus strand) and 62 more. Cytogenetic location: 16p13.11-12.3.
Variant type: copy number loss.
Change: copy number 1 (one copy instead of two) of chr16:15,398,450-18,272,881 (2.87 Mb, GRCh38 coordinates, 1-based), cytogenetic band 16p13.11-12.3.
Identifiers: ClinVar variation 155137 (VCV000155137.2).

ClinVar aggregate classification (germline): Pathogenic/Likely pathogenic (0 of 4 stars; one submission).

Submission:

ISCA site 1
Classification: Pathogenic/Likely pathogenic. Last evaluated: 2013-01-28. Review status: no assertion criteria provided. Collection method: clinical testing. Allele origin: unknown. Affected: yes. Observed: 2 variant alleles.
Comment: Pathogenic(1), Likely pathogenic(1)

Copy number variation identified through the course of routine clinical cytogenomic testing in postnatal populations, with clinical assertions as classified by the original submitter. For data from the original published study, Kaminsky, et al. 2011 (PubMed 21844811), please see nstd101.